The following is an entry in ClinVar:

NM_012208.4(HARS2):c.1483T>C (p.Phe495Leu)

Gene: HARS2 (histidyl-tRNA synthetase 2, mitochondrial; plus strand). Cytogenetic location: 5q31.3.
Variant type: single nucleotide variant.
Coding change: c.1483T>C on transcript NM_012208.4 (MANE Select); coding-DNA position 1483, T replaced by C.
Protein change: p.Phe495Leu; replaces phenylalanine 495 with leucine.
Molecular consequence: missense variant.
Genome position (GRCh38, 1-based): chr5:140,698,514, T>C. VCF-style: chr5-140698514-T-C. GRCh37 (hg19) VCF-style: chr5-140078099-T-C.
Other names: c.1408T>C, p.Phe470Leu (NM_001278731.2); c.1051T>C, p.Phe351Leu (NM_001278732.2); c.1501T>C, p.Phe501Leu (NM_001363535.2); c.1273T>C, p.Phe425Leu (NM_001363536.2); short protein forms F351L, F425L, F470L, F495L, F501L.
Identifiers: ClinVar variation 3906590 (VCV003906590.2).
Genomic context (GRCh38, chr5:140,698,514, plus strand): 5'-CTTTCTAGTTTATCACATGAGGATTCTCTTATGTTTCAGGTGGCCATTAAACGGGAAAAT[T>C]TTGTGGCTGAAATTCAGAAGCGACTGTCTGAGTCTTGATCCTTGCCTGATTCCCATCTGC-3'
Protein context (NP_036340.1, residues 485-505): REEVAIKREN[Phe495Leu]VAEIQKRLSE

ClinVar aggregate classification (germline): Conflicting classifications of pathogenicity. Review status: criteria provided, conflicting classifications (1 of 4 stars). 2 submissions from 2 submitters: Uncertain significance (1); Likely benign (1). Last evaluated 2025-04-15.

Conditions:
Inborn genetic diseases. Identifiers: MedGen C0950123, MeSH D030342.

gnomAD v4.1: 8 of 1,613,236 alleles (0.0005%); highest among the groups gnomAD compares: East Asian, 0.016%; no homozygotes.

Submissions (2):

Ambry Genetics
Classification: Likely benign for Inborn genetic diseases. Last evaluated: 2025-04-15. Review status: criteria provided, single submitter. Criteria: Ambry Variant Classification Scheme 2023. Collection method: clinical testing. Allele origin: germline.

GeneDx
Classification: Uncertain significance. Last evaluated: 2024-12-17. Review status: criteria provided, single submitter. Criteria: GeneDx Variant Classification Process June 2021. Collection method: clinical testing. Allele origin: germline. Affected: yes.
Comment: In silico analysis indicates that this missense variant does not alter protein structure/function; Has not been previously published as pathogenic or benign to our knowledge